The following is an entry in ClinVar:

NM_012452.3(TNFRSF13B):c.704_705del (p.Pro235fs)

Gene: TNFRSF13B (TNF receptor superfamily member 13B; minus strand). Cytogenetic location: 17p11.2.
Variant type: Deletion.
Coding change: c.704_705del on transcript NM_012452.3 (MANE Select); coding-DNA positions 704 to 705, 2 bases deleted (CT; older notation c.704_705delCT).
Protein change: p.Pro235fs; shifts the reading frame from proline 235.
Molecular consequence: frameshift variant.
Genome position (GRCh38, 1-based): chr17:16,939,724-16,939,725, AG deleted on the plus strand (CT on the coding strand, the reverse complement: TNFRSF13B is on the minus strand). VCF-style (leftmost placement, unchanged base first): chr17-16939723-CAG-C. GRCh37 (hg19) VCF-style: chr17-16843037-CAG-C.
Other names: c.704_705delCT (NM_012452.3); short protein forms P235fs.
Identifiers: ClinVar variation 1000824 (VCV001000824.8), dbSNP rs749017984, ClinGen allele CA8413873.

ClinVar aggregate classification (germline): Conflicting classifications of pathogenicity. Review status: criteria provided, conflicting classifications (1 of 4 stars). 4 submissions from 4 submitters: Likely pathogenic (2); Uncertain significance (2). Last evaluated 2025-11-01.

Conditions:
Immunodeficiency, common variable, 2 (CVID2). Also called: ANTIBODY DEFICIENCY DUE TO TACI DEFECT; HYPOGAMMAGLOBULINEMIA DUE TO TACI DEFICIENCY. Identifiers: Orphanet 1572, MedGen C3150354, MONDO:0009413, OMIM 240500.
Immunoglobulin A deficiency 2 (IGAD2). Identifiers: MedGen C1836032, MONDO:0012291, OMIM 609529.

Allele frequency attached by ClinVar (database versions not stated): gnomAD 0.00004 and 0.00005; gnomAD exomes 0.00006 and 0.00011; ExAC 0.00009; TOPMed 0.00009.

Submissions (4):

Labcorp Genetics (formerly Invitae), Labcorp
Classification: Uncertain significance for Immunodeficiency, common variable, 2. Last evaluated: 2025-11-01. Review status: criteria provided, single submitter. Criteria: Invitae Variant Classification Sherloc (09022015). Collection method: clinical testing. Allele origin: germline.
Comment: This sequence change is expected to alter the c-terminus of the TNFRSF13B protein (p.Pro235Argfs*169). While this is not anticipated to result in nonsense mediated decay, it is expected to disrupt the last 59 amino acid(s) of the TNFRSF13B protein and extend the protein by 109 additional amino acid residues. This variant is present in population databases (rs749017984, gnomAD 0.1%). This frameshift has been observed in individual(s) with TNFRSF13B-related conditions (PMID: 33425813). In at least one individual the data is consistent with being in trans (on the opposite chromosome) from a pathogenic variant. ClinVar contains an entry for this variant (Variation ID: 1000824). Experimental studies and prediction algorithms are not available or were not evaluated, and the functional significance of this variant is currently unknown. In summary, the available evidence is currently insufficient to determine the role of this variant in disease. Therefore, it has been classified as a Variant of Uncertain Significance.

Next Generation Genetic Polyclinic
Classification: Likely pathogenic for Immunodeficiency, common variable, 2. Last evaluated: 2025-03-01. Review status: criteria provided, single submitter. Criteria: ACMG Guidelines, 2015. Collection method: curation. Allele origin: germline. Affected: yes. Observed: 1 variant allele.
Comment: Frameshift variant in TNFRSF13B gene (c.704_705delCT; p.Leu235Glnfs26), predicted to result in premature truncation. Loss-of-function in TNFRSF13B is a known mechanism for immunodeficiency disorders (PVS1). Variant is absent or extremely rare in population databases (gnomAD <0.01) (PM2). Reported in two published studies in individuals with clinical features of CVID (PS4). Observed in heterozygous state with autosomal dominant/recessive inheritance (PP1). Currently classified as Likely Pathogenic. Meets ACMG criteria: PVS1, PM2, PS4, PP1.

Department of Pathology and Laboratory Medicine, Sinai Health System
Classification: Uncertain significance for Immunodeficiency, common variable, 2. Last evaluated: 2023-03-24. Review status: criteria provided, single submitter. Criteria: ACMG Guidelines, 2015. Collection method: research. Allele origin: germline.

Juno Genomics, Hangzhou Juno Genomics, Inc
Classification: Likely pathogenic for Immunodeficiency, common variable, 2; Immunoglobulin A deficiency 2. Review status: criteria provided, single submitter. Criteria: ACMG Guidelines, 2015. Collection method: clinical testing. Allele origin: germline.
Comment: Null variant in a gene where loss of function (LOF) is a known mechanism of disease.;For recessive disorders, detected in trans with a pathogenic variant.

Literature cited by the submitters: PubMed 33425813 (cited by Labcorp Genetics (formerly Invitae), Labcorp and Next Generation Genetic Polyclinic); PubMed 25927356 (cited by Next Generation Genetic Polyclinic).